The following is an entry in ClinVar:

ClinVar aggregate classification (germline): Uncertain significance (1 of 4 stars; one submission).

Submission:

GeneDx
Classification: Uncertain significance. Last evaluated: 2024-06-10. Review status: criteria provided, single submitter. Criteria: GeneDx Variant Classification Process June 2021. Collection method: clinical testing. Allele origin: germline. Affected: yes.
Comment: Not observed at significant frequency in large population cohorts (gnomAD); In silico analysis supports that this missense variant has a deleterious effect on protein structure/function; Has not been previously published as pathogenic or benign to our knowledge

NM_000202.8(IDS):c.527G>T (p.Gly176Val)

Genes: IDS (iduronate 2-sulfatase; minus strand), LOC106050102 (IDS recombination region; plus strand). Cytogenetic location: Xq28.
Variant type: single nucleotide variant.
Coding change: c.527G>T on transcript NM_000202.8 (MANE Select); coding-DNA position 527, G replaced by T.
Protein change: p.Gly176Val; replaces glycine 176 with valine.
Molecular consequence: missense variant. On other transcripts: non-coding transcript variant (1).
Genome position (GRCh38, 1-based): chrX:149,498,288, C>A on the plus strand (G>T on the coding strand, the complement: IDS is on the minus strand). VCF-style: chrX-149498288-C-A. GRCh37 (hg19) VCF-style: chrX-148579819-C-A.
Other names: c.257G>T, p.Gly86Val (NM_001166550.4); c.527G>T, p.Gly176Val (NM_006123.5); short protein forms G176V, G86V.
Identifiers: ClinVar variation 3390741 (VCV003390741.1).